The following is an entry in ClinVar:

ClinVar aggregate classification (germline): Uncertain significance (1 of 4 stars; one submission).

Conditions:
Fanconi anemia complementation group F. Also called: FANCF-Related Fanconi Anemia. Identifiers: Orphanet 84, MedGen C3469526, MONDO:0011325, OMIM 603467.

Submission:

Center for Genomics, Ann and Robert H. Lurie Children's Hospital of Chicago
Classification: Uncertain significance for Fanconi anemia complementation group F. Last evaluated: 2021-03-30. Review status: criteria provided, single submitter. Criteria: ACMG Guidelines, 2015. Collection method: clinical testing. Allele origin: germline.
Comment: FANCF NM_022725.3 exon 1 p.Gly118Val (c.353G>T): This variant has not been reported in the literature and is not present in large control databases. Evolutionary conservation and computational predictive tools for this variant are unclear. In summary, data on this variant is insufficient for disease classification. Therefore, the clinical significance of this variant is uncertain.

NM_022725.4(FANCF):c.353G>T (p.Gly118Val)

Gene: FANCF (FA complementation group F; minus strand). Cytogenetic location: 11p14.3.
Variant type: single nucleotide variant.
Coding change: c.353G>T on transcript NM_022725.4 (MANE Select); coding-DNA position 353, G replaced by T.
Protein change: p.Gly118Val; replaces glycine 118 with valine.
Molecular consequence: missense variant.
Genome position (GRCh38, 1-based): chr11:22,625,458, C>A on the plus strand (G>T on the coding strand, the complement: FANCF is on the minus strand). VCF-style: chr11-22625458-C-A. GRCh37 (hg19) VCF-style: chr11-22647004-C-A.
Other names: short protein forms G118V.
Identifiers: ClinVar variation 992566 (VCV000992566.2), dbSNP rs200874455, ClinGen allele CA219086646.
Genomic context (GRCh38, chr11:22,625,458, plus strand): 5'-CGGGCAAGGCGGGCCAGGCTCTCTTGGAGTGTCTCCTCATCGGCGTCCCGGACGCCCGGG[C>A]CGGGAAAGAGTTGCTGCACCAGGTGGTAACGAGCTGCATCCCCGAGGGCCCGGTTCTCCA-3'
Protein context (NP_073562.1, residues 108-128): RYHLVQQLFP[Gly118Val]PGVRDADEET